The following is an entry in ClinVar:

ClinVar aggregate classification (germline): Uncertain significance (1 of 4 stars; one submission).

Allele frequency attached by ClinVar (database versions not stated): gnomAD exomes below 0.00001; TOPMed below 0.00001; gnomAD 0.00001.
gnomAD v4.1: 2 of 1,614,128 alleles (0.00012%); highest among the groups gnomAD compares: Non-Finnish European, 0.00017%; no homozygotes.

Submission:

Ambry Genetics
Classification: Uncertain significance. Last evaluated: 2024-01-12. Review status: criteria provided, single submitter. Criteria: Ambry Variant Classification Scheme 2023. Collection method: clinical testing. Allele origin: germline.
Comment: The p.E1472G variant (also known as c.4415A>G), located in coding exon 4 of the ALPK2 gene, results from an A to G substitution at nucleotide position 4415. The glutamic acid at codon 1472 is replaced by glycine, an amino acid with similar properties. This amino acid position is conserved. In addition, this alteration is predicted to be tolerated by in silico analysis. Since supporting evidence is limited at this time, the clinical significance of this alteration remains unclear.

NM_052947.4(ALPK2):c.4415A>G (p.Glu1472Gly)

Genes: ALPK2 (alpha kinase 2; minus strand), LOC126862764 (BRD4-independent group 4 enhancer GRCh37_chr18:56202574-56203773; plus strand). Cytogenetic location: 18q21.31.
Variant type: single nucleotide variant.
Coding change: c.4415A>G on transcript NM_052947.4 (MANE Select); coding-DNA position 4415, A replaced by G.
Protein change: p.Glu1472Gly; replaces glutamic acid 1472 with glycine.
Molecular consequence: missense variant.
Genome position (GRCh38, 1-based): chr18:58,535,772, T>C on the plus strand (A>G on the coding strand, the complement: ALPK2 is on the minus strand). VCF-style: chr18-58535772-T-C. GRCh37 (hg19) VCF-style: chr18-56203004-T-C.
Other names: short protein forms E1472G.
Identifiers: ClinVar variation 1740426 (VCV001740426.2), dbSNP rs1222774667, ClinGen allele CA402562635.